The following is an entry in ClinVar:

ClinVar aggregate classification (germline): Likely benign (1 of 4 stars; one submission).

Submission:

CeGaT Center for Human Genetics Tuebingen
Classification: Likely benign. Last evaluated: 2025-11-01. Review status: criteria provided, single submitter. Criteria: CeGaT Center For Human Genetics Tuebingen Variant Classification Criteria Version 2. Collection method: clinical testing. Allele origin: germline. Affected: yes. Observed: 1 variant allele.
Comment: PIGS: BP4, BP7

NM_033198.4(PIGS):c.27A>G (p.Thr9=)

Gene: PIGS (phosphatidylinositol glycan anchor biosynthesis class S; minus strand). Cytogenetic location: 17q11.2.
Variant type: single nucleotide variant.
Coding change: c.27A>G on transcript NM_033198.4 (MANE Select); coding-DNA position 27, A replaced by G.
Protein change: p.Thr9=; no amino-acid change (threonine 9 retained).
Molecular consequence: synonymous variant.
Genome position (GRCh38, 1-based): chr17:28,571,470, T>C on the plus strand (A>G on the coding strand, the complement: PIGS is on the minus strand). VCF-style: chr17-28571470-T-C. GRCh37 (hg19) VCF-style: chr17-26898488-T-C.
Identifiers: ClinVar variation 4681714 (VCV004681714.5).